The following is an entry in ClinVar:

ClinVar aggregate classification (germline): Conflicting classifications of pathogenicity. Review status: criteria provided, conflicting classifications (1 of 4 stars). 37 submissions from 37 submitters: Uncertain significance (1); Benign (16); Likely benign (7). 13 of the submissions do not count toward it. Last evaluated 2026-09-01.

Conditions:
Breast and/or ovarian cancer. Identifiers: MedGen CN221562.
Ataxia-telangiectasia syndrome (AT). Also called: Ataxia-telangiectasia, complementation group D; AT, COMPLEMENTATION GROUP C; Ataxia telangiectasia (A-T); LOUIS-BAR SYNDROME; Cerebello-oculocutaneous telangiectasia; Immunodeficiency with ataxia telangiectasia. Identifiers: Orphanet 100, MedGen C0004135, MONDO:0008840, OMIM 208900.
Familial cancer of breast. Also called: Hereditary breast cancer; hereditary breast carcinoma; BREAST CANCER, FAMILIAL. Identifiers: Orphanet 227535, MedGen C0346153, MONDO:0016419, OMIM 114480. Disease mechanism: loss of function.
Hereditary cancer-predisposing syndrome. Also called: Neoplastic Syndromes, Hereditary; Tumor predisposition; Hereditary neoplastic syndrome; Hereditary Cancer Syndrome. Identifiers: Orphanet 140162, MedGen C0027672, MeSH D009386, MONDO:0015356.
Hereditary breast ovarian cancer syndrome. Also called: Breast and ovarian cancer; BRCA1- and BRCA2-Associated Hereditary Breast and Ovarian Cancer; Hereditary breast and/or ovarian cancer syndrome; Hereditary breast and ovarian cancer syndrome; Hereditary breast and ovarian cancer; Hereditary breast and ovarian cancer syndrome (HBOC). Identifiers: Orphanet 145, MedGen C0677776, MeSH D061325, MONDO:0003582. Disease mechanism: loss of function.
Malignant tumor of breast. Also called: Malignant breast neoplasm; Cancer breast. Identifiers: MedGen C0006142, MONDO:0007254. Disease mechanism: loss of function.

Allele frequency attached by ClinVar (database versions not stated): gnomAD exomes 0.00488 and 0.00489; ExAC 0.00519; 1000 Genomes Project 0.00180; 1000 Genomes Project 30x 0.00219; TOPMed 0.00389; gnomAD 0.00439 and 0.00441; ESP Exome Variant Server 0.00485.
gnomAD v4.1: 7,818 of 1,614,054 alleles (0.48%); highest among the groups gnomAD compares: South Asian, 0.57%; 27 homozygotes.

Submissions 1 to 22 of 37:

CeGaT Center for Human Genetics Tuebingen
Classification: Likely benign. Last evaluated: 2026-09-01. Review status: criteria provided, single submitter. Criteria: CeGaT Center For Human Genetics Tuebingen Variant Classification Criteria Version 2. Collection method: clinical testing. Allele origin: germline. Affected: yes. Observed: 165 variant alleles.
Comment: ATM: BP4, BS2

Labcorp Genetics (formerly Invitae), Labcorp
Classification: Benign for Ataxia-telangiectasia syndrome. Last evaluated: 2026-02-04. Review status: criteria provided, single submitter. Criteria: Invitae Variant Classification Sherloc (09022015). Collection method: clinical testing. Allele origin: germline.

ARUP Laboratories, Molecular Genetics and Genomics, ARUP Laboratories
Classification: Benign. Last evaluated: 2025-06-02. Review status: criteria provided, single submitter. Criteria: ARUP Molecular Germline Variant Investigation Process 2024. Collection method: clinical testing. Allele origin: germline.

Center for Genomic Medicine, Rigshospitalet, Copenhagen University Hospital
Classification: Benign. Last evaluated: 2025-03-04. Review status: criteria provided, single submitter. Criteria: ACMG Guidelines, 2015. Collection method: clinical testing. Allele origin: germline.

Blueprint Genetics
Classification: Likely benign. Last evaluated: 2024-11-27. Review status: criteria provided, single submitter. Criteria: ACMG Guidelines, 2015. Collection method: clinical testing. Allele origin: germline.

Myriad Genetics, Inc.
Classification: Benign for Familial cancer of breast. Last evaluated: 2024-05-23. Review status: criteria provided, single submitter. Criteria: Myriad Autosomal Dominant, Autosomal Recessive and X-Linked Classification Criteria (2023). Collection method: clinical testing. Allele origin: unknown.
Comment: This variant is considered benign. This variant has been observed at a population frequency that is significantly greater than expected given the associated disease prevalence and penetrance.

Quest Diagnostics Nichols Institute San Juan Capistrano
Classification: Benign. Last evaluated: 2023-01-31. Review status: criteria provided, single submitter. Criteria: Quest Diagnostics criteria. Collection method: clinical testing. Allele origin: unknown.

Mayo Clinic Laboratories, Mayo Clinic
Classification: Benign. Last evaluated: 2022-11-08. Review status: criteria provided, single submitter. Criteria: ACMG Guidelines, 2015. Collection method: clinical testing. Allele origin: germline. Observed: 33 variant alleles.
Comment: BS1, BS2

National Health Laboratory Service, Universitas Academic Hospital and University of the Free State
Classification: Likely benign for Hereditary breast ovarian cancer syndrome. Last evaluated: 2022-04-19. Review status: criteria provided, single submitter. Criteria: ACMG Guidelines, 2015. Collection method: clinical testing. Allele origin: germline. Affected: yes. Observed: 1 variant allele.

Genome-Nilou Lab
Classification: Benign for Ataxia-telangiectasia syndrome. Last evaluated: 2021-05-18. Review status: criteria provided, single submitter. Criteria: ACMG Guidelines, 2015. Collection method: clinical testing. Allele origin: germline. Affected: no.

CHEO Genetics Diagnostic Laboratory, Children's Hospital of Eastern Ontario
Classification: Benign for Breast and/or ovarian cancer. Last evaluated: 2020-11-25. Review status: criteria provided, single submitter. Criteria: ACMG Guidelines, 2015. Collection method: clinical testing. Allele origin: germline.

Sema4
Classification: Benign for Hereditary cancer-predisposing syndrome. Last evaluated: 2020-09-06. Review status: criteria provided, single submitter. Criteria: Sema4 Curation Guidelines. Collection method: curation. Allele origin: germline.

Spanish ATM Cancer Susceptibility Variant Interpretation Working Group
Classification: Benign for Hereditary cancer-predisposing syndrome. Last evaluated: 2020-06-17. Review status: criteria provided, single submitter. Criteria: Feliubadaló L et al. (Clin Chem 2021). Collection method: clinical testing. Allele origin: germline. Affected: yes. Observed: 1 variant allele, 31 heterozygotes. Clinical features observed: Breast carcinoma, Renal cancer, Adrenal pheochromocytoma, Prostate cancer, Melanoma of skin, Ovarian serous tumor, Ovarian cancer, clear cell, Colorectal polyposis, Colorectal cancer, Bilateral breast cancer, Ovarian cancer, Adenomas, multiple colorectal, and 4 more.
Comment: The c.5558A>T (p.Asp1853Val) missense variant has an allele frequency of 0.48%, (1282/267,858 alleles) in the gnomAD v2.1.1 non-cancer dataset, with a maximal frequency of 0.67%, (797/117,840 alleles) in the European (non-Finnish) subpopulation (BA1). Therefore, it meets criteria to be classified as benign. Adapted ACMG/AMP rules applied as defined by the Spanish ATM working group: BA1 (PMID: 33280026).

Mendelics
Classification: Likely benign for Ataxia-telangiectasia syndrome. Last evaluated: 2019-05-28. Review status: criteria provided, single submitter. Criteria: Mendelics Assertion Criteria 2017. Collection method: clinical testing. Allele origin: unknown.

Athena Diagnostics
Classification: Benign. Last evaluated: 2019-01-09. Review status: criteria provided, single submitter. Criteria: Athena Diagnostics Criteria. Collection method: clinical testing. Allele origin: germline.

Institute of Human Genetics, University of Leipzig Medical Center
Classification: Benign for Familial cancer of breast. Last evaluated: 2019-01-01. Review status: criteria provided, single submitter. Criteria: ACMG Guidelines, 2015. Collection method: clinical testing. Allele origin: unknown. Affected: yes.
Comment: This variant was identified as compound heterozygous.

Genetic Services Laboratory, University of Chicago
Classification: Benign. Last evaluated: 2018-07-30. Review status: criteria provided, single submitter. Criteria: ACMG Guidelines, 2015. Collection method: clinical testing. Allele origin: germline. Affected: no.

Illumina Laboratory Services, Illumina
Classification: Uncertain significance for Ataxia-telangiectasia syndrome. Last evaluated: 2017-04-27. Review status: criteria provided, single submitter. Criteria: ICSL Variant Classification Criteria 13 December 2019. Collection method: clinical testing. Allele origin: germline.
Comment: This variant was observed as part of a predisposition screen in an ostensibly healthy population. A literature search was performed for the gene, cDNA change, and amino acid change (where applicable). Publications were found based on this search. However, the evidence from the literature, in combination with allele frequency data from public databases where available, was not sufficient to rule this variant in or out of causing disease. Therefore, this variant is classified as a variant of unknown significance.

Eurofins Ntd Llc (ga)
Classification: Benign. Last evaluated: 2016-09-27. Review status: criteria provided, single submitter. Criteria: EGL Classification Definitions 2015. Collection method: clinical testing. Allele origin: germline. Observed: 1 variant allele, 1 heterozygote.

Color Diagnostics, LLC DBA Color Health
Classification: Benign for Hereditary cancer-predisposing syndrome. Last evaluated: 2015-10-15. Review status: criteria provided, single submitter. Criteria: ACMG Guidelines, 2015. Collection method: clinical testing. Allele origin: germline.

Ambry Genetics
Classification: Benign for Hereditary cancer-predisposing syndrome. Last evaluated: 2014-07-01. Review status: criteria provided, single submitter. Criteria: Ambry Variant Classification Scheme 2023. Collection method: clinical testing. Allele origin: germline.

GeneDx
Classification: Likely benign. Last evaluated: 2014-02-28. Review status: criteria provided, single submitter. Criteria: GeneDx Variant Classification (06012015). Collection method: clinical testing. Allele origin: germline. Affected: yes.
Comment: This variant is considered likely benign or benign based on one or more of the following criteria: it is a conservative change, it occurs at a poorly conserved position in the protein, it is predicted to be benign by multiple in silico algorithms, and/or has population frequency not consistent with disease.

NM_000051.4(ATM):c.5558A>T (p.Asp1853Val)

Gene: ATM (ATM serine/threonine kinase; plus strand). Cytogenetic location: 11q22.3.
Variant type: single nucleotide variant.
Coding change: c.5558A>T on transcript NM_000051.4 (MANE Select); coding-DNA position 5558, A replaced by T.
Protein change: p.Asp1853Val; replaces aspartic acid 1853 with valine.
Molecular consequence: missense variant.
Genome position (GRCh38, 1-based): chr11:108,304,736, A>T. VCF-style: chr11-108304736-A-T. GRCh37 (hg19) VCF-style: chr11-108175463-A-T.
Other names: p.D1853V:GAT>GTT; NP_000042.3:p.Asp1853Val; c.5558A>T, p.Asp1853Val (NM_001351834.2); short protein forms D1853V.
Identifiers: ClinVar variation 133623 (VCV000133623.110), dbSNP rs1801673, ClinGen allele CA157135.
Genomic context (GRCh38, chr11:108,304,736, plus strand): 5'-TGAAAACTGACTTTTGTCAGACTGTACTTCCATACTTGATTCATGATATTTTACTCCAAG[A>T]TACAAATGAATCATGGAGAAATCTGCTTTCTACACATGTTCAGGGATTTTTCACCAGCTG-3'
Protein context (NP_000042.3, residues 1843-1863): PYLIHDILLQ[Asp1853Val]TNESWRNLLS